The following is an entry in ClinVar:

ClinVar aggregate classification (germline): Uncertain significance. Review status: criteria provided, multiple submitters, no conflicts (2 of 4 stars). 6 submissions from 6 submitters: Uncertain significance (6). Last evaluated 2025-08-01.

Conditions:
Nonpapillary renal cell carcinoma. Identifiers: Orphanet 422526, MedGen CN074294, MONDO:0007763, OMIM 144700.
Chuvash polycythemia. Also called: POLYCYTHEMIA, VHL-DEPENDENT. Identifiers: Orphanet 238557, MedGen C1837915, MONDO:0009892, OMIM 263400.
Pheochromocytoma. Also called: MAX-Related Hereditary Paraganglioma-Pheochromocytoma Syndrome. Identifiers: Orphanet 29072, MedGen C0031511, MONDO:0008233, OMIM 171300, HP:0002666.
Von Hippel-Lindau syndrome (VHLS). Also called: Von Hippel-Lindau; VHL syndrome; von Hippel–Lindau syndrome. Identifiers: Orphanet 892, MedGen C0019562, MONDO:0008667, OMIM 193300. Disease mechanism: loss of function.
Hereditary cancer-predisposing syndrome. Also called: Hereditary Cancer Syndrome; Tumor predisposition; Neoplastic Syndromes, Hereditary; Hereditary neoplastic syndrome. Identifiers: Orphanet 140162, MedGen C0027672, MeSH D009386, MONDO:0015356.

Allele frequency attached by ClinVar (database versions not stated): gnomAD exomes below 0.00001.
gnomAD v4.1: 2 of 1,604,080 alleles (0.00012%); highest among the groups gnomAD compares: Admixed American, 0.0017%; no homozygotes.

Submissions (6):

Quest Diagnostics Nichols Institute San Juan Capistrano
Classification: Uncertain significance. Last evaluated: 2025-08-01. Review status: criteria provided, single submitter. Criteria: Quest Diagnostics criteria. Collection method: clinical testing. Allele origin: unknown.

Ambry Genetics
Classification: Uncertain significance for Hereditary cancer-predisposing syndrome. Last evaluated: 2025-04-07. Review status: criteria provided, single submitter. Criteria: Ambry Variant Classification Scheme 2023. Collection method: clinical testing. Allele origin: germline.
Comment: The p.V84A variant (also known as c.251T>C), located in coding exon 1 of the VHL gene, results from a T to C substitution at nucleotide position 251. The valine at codon 84 is replaced by alanine, an amino acid with similar properties. Other variant(s) at the same codon, p.V84M (c.250G>A), have been identified in individual(s) diagnosed with pheochromocytoma (Stanojevic BR et al. Neoplasma. 2007;54:402-6; Eisenhofer G et al. Horm. Metab. Res. 2012 May;44(5):343-8). The p.V84A variant was determined to be functionally neutral in one saturation genome editing assay (Buckley M et al. Nat Genet, 2024 Jul;56:1446-1455). This amino acid position is highly conserved in available vertebrate species. In addition, this alteration is predicted to be deleterious by in silico analysis. Based on the available evidence, the clinical significance of this variant remains unclear.

Labcorp Genetics (formerly Invitae), Labcorp
Classification: Uncertain significance for Von Hippel-Lindau syndrome; Chuvash polycythemia. Last evaluated: 2025-04-02. Review status: criteria provided, single submitter. Criteria: Invitae Variant Classification Sherloc (09022015). Collection method: clinical testing. Allele origin: germline.
Comment: This sequence change replaces valine, which is neutral and non-polar, with alanine, which is neutral and non-polar, at codon 84 of the VHL protein (p.Val84Ala). This variant is present in population databases (no rsID available, gnomAD 0.003%). This variant has not been reported in the literature in individuals affected with VHL-related conditions. ClinVar contains an entry for this variant (Variation ID: 648333). Invitae Evidence Modeling of protein sequence and biophysical properties (such as structural, functional, and spatial information, amino acid conservation, physicochemical variation, residue mobility, and thermodynamic stability) indicates that this missense variant is expected to disrupt VHL protein function with a positive predictive value of 95%. This variant disrupts the p.Val84 amino acid residue in VHL. Other variant(s) that disrupt this residue have been determined to be pathogenic (PMID: 8592333, 16502427, 17688370, 21463266, 25078357). This suggests that this residue is clinically significant, and that variants that disrupt this residue are likely to be disease-causing. In summary, the available evidence is currently insufficient to determine the role of this variant in disease. Therefore, it has been classified as a Variant of Uncertain Significance.

All of Us Research Program, National Institutes of Health
Classification: Uncertain significance for Von Hippel-Lindau syndrome. Last evaluated: 2023-08-15. Review status: criteria provided, single submitter. Criteria: ACMG Guidelines, 2015. Collection method: clinical testing. Allele origin: germline. Inheritance: Autosomal dominant inheritance. Observed: 3 variant alleles, 3 heterozygotes.
Comment: This study involves interpretation of variants in research participants for the purpose of population health screening. Participant phenotype was not available at the time of variant classification. Additional details can be found in publication PMID: 35346344, PMCID: PMC8962531

Fulgent Genetics
Classification: Uncertain significance for Nonpapillary renal cell carcinoma; Pheochromocytoma; Von Hippel-Lindau syndrome; Chuvash polycythemia. Last evaluated: 2021-11-18. Review status: criteria provided, single submitter. Criteria: ACMG Guidelines, 2015. Collection method: clinical testing. Allele origin: unknown.

GeneDx
Classification: Uncertain significance. Last evaluated: 2020-02-14. Review status: criteria provided, single submitter. Criteria: GeneDx Variant Classification Process June 2021. Collection method: clinical testing. Allele origin: germline. Affected: yes.
Comment: Not observed at a significant frequency in large population cohorts (Lek 2016); In silico analysis supports that this missense variant does not alter protein structure/function; Has not been previously published as pathogenic or benign to our knowledge

Literature cited by the submitters: PubMed 38969834 (cited by Ambry Genetics); PubMed 8592333 (cited by Labcorp Genetics (formerly Invitae), Labcorp); PubMed 16502427 (cited by Labcorp Genetics (formerly Invitae), Labcorp); PubMed 17688370 (cited by Labcorp Genetics (formerly Invitae), Labcorp); PubMed 21463266 (cited by Labcorp Genetics (formerly Invitae), Labcorp); PubMed 25078357 (cited by Labcorp Genetics (formerly Invitae), Labcorp).

NM_000551.4(VHL):c.251T>C (p.Val84Ala)

Gene: VHL (von Hippel-Lindau tumor suppressor; plus strand). Cytogenetic location: 3p25.3.
Variant type: single nucleotide variant.
Coding change: c.251T>C on transcript NM_000551.4 (MANE Select); coding-DNA position 251, T replaced by C.
Protein change: p.Val84Ala; replaces valine 84 with alanine.
Molecular consequence: missense variant.
Genome position (GRCh38, 1-based): chr3:10,142,098, T>C. VCF-style: chr3-10142098-T-C. GRCh37 (hg19) VCF-style: chr3-10183782-T-C.
Other names: c.251T>C, p.Val84Ala (NM_001354723.2, NM_198156.3); short protein forms V84A.
Identifiers: ClinVar variation 648333 (VCV000648333.19), dbSNP rs1264207864, ClinGen allele CA351750594.